The following is an entry in ClinVar:

NM_032638.5(GATA2):c.437del (p.Gly146fs)

Gene: GATA2 (GATA binding protein 2; minus strand). Cytogenetic location: 3q21.3.
Variant type: Deletion.
Coding change: c.437del on transcript NM_032638.5 (MANE Select); coding-DNA position 437, one base deleted (G; older notation c.437delG).
Protein change: p.Gly146fs; shifts the reading frame from glycine 146.
Molecular consequence: frameshift variant.
Genome position (GRCh38, 1-based): chr3:128,486,161, C deleted on the plus strand (G on the coding strand, the reverse complement: GATA2 is on the minus strand); the first of 5 consecutive C bases (chr3:128,486,161-128,486,165); deleting any one gives the same sequence. VCF-style (leftmost placement, unchanged base first): chr3-128486160-AC-A. GRCh37 (hg19) VCF-style: chr3-128205003-AC-A.
Other names: c.437del, p.Gly146fs (NM_001145661.2, NM_001145662.1); c.437del (NM_032638.4); short protein forms G146fs.
Identifiers: ClinVar variation 1184209 (VCV001184209.5), dbSNP rs2107672654, ClinGen allele CA1139532786.

ClinVar aggregate classification (germline): Pathogenic. Review status: criteria provided, multiple submitters, no conflicts (2 of 4 stars). 2 submissions from 2 submitters: Pathogenic (2). Last evaluated 2021-07-06.

Conditions:
Deafness-lymphedema-leukemia syndrome. Also called: Emberger syndrome; Lymphedema, primary, with myelodysplasia. Identifiers: Orphanet 3226, MedGen C3279664, MONDO:0013540, OMIM 614038.
GATA2 deficiency with susceptibility to MDS/AML. Identifiers: MedGen CN300066, MONDO:0042982.

Submissions (2):

Molecular Pathology Research Laboratory, SA Pathology
Classification: Pathogenic for GATA2 deficiency with susceptibility to MDS/AML; Deafness-lymphedema-leukemia syndrome. Last evaluated: 2021-07-06. Review status: criteria provided, single submitter. Criteria: ACMG Guidelines, 2015. Collection method: curation. Allele origin: germline. Inheritance: Autosomal dominant inheritance. Affected: yes. Observed: 1 variant allele.
Comment: PVS1, PS4_Supporting, PM2

Genetic Services Laboratory, University of Chicago
Classification: Pathogenic. Last evaluated: 2019-01-11. Review status: criteria provided, single submitter. Criteria: ACMG Guidelines, 2015. Collection method: clinical testing. Allele origin: germline. Affected: yes.
Comment: DNA sequence analysis of the GATA2 gene demonstrated a single base pair deletion in exon 3, c.437del. This pathogenic sequence change results in an amino acid frameshift and creates a premature stop codon 71 amino acids downstream of the mutation, p.Gly146Valfs*72. This pathogenic sequence change is predicted to result in an abnormal transcript, which is likely to be degraded.

Literature cited by the submitters: PubMed 29724903 (cited by Molecular Pathology Research Laboratory, SA Pathology).